The following is an entry in ClinVar:

ClinVar aggregate classification (germline): Uncertain significance (1 of 4 stars; one submission).

Conditions:
Aortic aneurysm, familial thoracic 4 (AAT4). Also called: AORTIC ANEURYSM/AORTIC DISSECTION AND PATENT DUCTUS ARTERIOSUS. Identifiers: MedGen C1851504, MONDO:0007568, OMIM 132900.

Submission:

Labcorp Genetics (formerly Invitae), Labcorp
Classification: Uncertain significance for Aortic aneurysm, familial thoracic 4. Last evaluated: 2026-01-18. Review status: criteria provided, single submitter. Criteria: Invitae Variant Classification Sherloc (09022015). Collection method: clinical testing. Allele origin: germline.
Comment: This sequence change replaces lysine, which is basic and polar, with glutamic acid, which is acidic and polar, at codon 696 of the MYH11 protein (p.Lys696Glu). This variant is not present in population databases (gnomAD no frequency). This variant has not been reported in the literature in individuals affected with MYH11-related conditions. Invitae Evidence Modeling of protein sequence and biophysical properties (such as structural, functional, and spatial information, amino acid conservation, physicochemical variation, residue mobility, and thermodynamic stability) indicates that this missense variant is not expected to disrupt MYH11 protein function with a negative predictive value of 95%. In summary, the available evidence is currently insufficient to determine the role of this variant in disease. Therefore, it has been classified as a Variant of Uncertain Significance.

NM_002474.3(MYH11):c.2065A>G (p.Lys689Glu)

Gene: MYH11 (myosin heavy chain 11; minus strand). Cytogenetic location: 16p13.11.
Variant type: single nucleotide variant.
Coding change: c.2065A>G on transcript NM_002474.3 (MANE Select); coding-DNA position 2065, A replaced by G.
Protein change: p.Lys689Glu; replaces lysine 689 with glutamic acid.
Molecular consequence: missense variant.
Genome position (GRCh38, 1-based): chr16:15,748,162, T>C on the plus strand (A>G on the coding strand, the complement: MYH11 is on the minus strand). VCF-style: chr16-15748162-T-C. GRCh37 (hg19) VCF-style: chr16-15842019-T-C.
Other names: c.2086A>G, p.Lys696Glu (NM_001040113.2, NM_001040114.2); c.2065A>G, p.Lys689Glu (NM_022844.3); short protein forms K696E, K689E.
Identifiers: ClinVar variation 4745886 (VCV004745886.1).